The following is an entry in ClinVar:

NM_000393.5(COL5A2):c.34C>T (p.Leu12Phe)

Gene: COL5A2 (collagen type V alpha 2 chain; minus strand). Cytogenetic location: 2q32.2.
Variant type: single nucleotide variant.
Coding change: c.34C>T on transcript NM_000393.5 (MANE Select); coding-DNA position 34, C replaced by T.
Protein change: p.Leu12Phe; replaces leucine 12 with phenylalanine.
Molecular consequence: missense variant.
Genome position (GRCh38, 1-based): chr2:189,179,571, G>A on the plus strand (C>T on the coding strand, the complement: COL5A2 is on the minus strand). VCF-style: chr2-189179571-G-A. GRCh37 (hg19) VCF-style: chr2-190044297-G-A.
Other names: p.L12F:CTC>TTC; short protein forms L12F.
Identifiers: ClinVar variation 213139 (VCV000213139.14), dbSNP rs768807471, ClinGen allele CA321159.

ClinVar aggregate classification (germline): Conflicting classifications of pathogenicity. Review status: criteria provided, conflicting classifications (1 of 4 stars). 3 submissions from 3 submitters: Uncertain significance (2); Likely benign (1). Last evaluated 2026-08-10.

Conditions:
Ehlers-Danlos syndrome, classic type, 1 (EDSCL1). Also called: Ehlers-Danlos Syndrome, Classic Type, COL5A1-Related; EDS I; EHLERS-DANLOS SYNDROME, GRAVIS TYPE; EHLERS-DANLOS SYNDROME, SEVERE CLASSIC TYPE; Ehlers-Danlos syndrome, type 1. Identifiers: MedGen C0268335, MONDO:0019567, OMIM 130000.
Familial thoracic aortic aneurysm and aortic dissection (TAAD). Also called: Thoracic aortic aneurysms and dissections. Identifiers: Orphanet 91387, MedGen C4707243, MONDO:0019625.

Allele frequency attached by ClinVar (database versions not stated): gnomAD exomes below 0.00001; ExAC 0.00001; TOPMed below 0.00001.
gnomAD v4.1: 3 of 1,609,852 alleles (0.00019%); highest among the groups gnomAD compares: Middle Eastern, 0.017%; no homozygotes.

Submissions (3):

GeneDx
Classification: Uncertain significance. Last evaluated: 2026-08-10. Review status: criteria provided, single submitter. Criteria: GeneDx Variant Classification Process June 2021. Collection method: clinical testing. Allele origin: germline.
Comment: Not observed at significant frequency in large population cohorts (gnomAD); In silico analysis suggests that this missense variant does not alter protein structure/function; Has not been previously published as pathogenic or benign to our knowledge; Not located in the triple helical region, where the majority of pathogenic missense variants occur (PMID: 22696272; HGMD); This variant is associated with the following publications: (PMID: 22696272)

Labcorp Genetics (formerly Invitae), Labcorp
Classification: Likely benign for Ehlers-Danlos syndrome, classic type, 1. Last evaluated: 2025-06-15. Review status: criteria provided, single submitter. Criteria: Invitae Variant Classification Sherloc (09022015). Collection method: clinical testing. Allele origin: germline.

Ambry Genetics
Classification: Uncertain significance for Familial thoracic aortic aneurysm and aortic dissection. Last evaluated: 2019-07-29. Review status: criteria provided, single submitter. Criteria: Ambry Variant Classification Scheme 2023. Collection method: clinical testing. Allele origin: germline.
Comment: The p.L12F variant (also known as c.34C>T), located in coding exon 1 of the COL5A2 gene, results from a C to T substitution at nucleotide position 34. The leucine at codon 12 is replaced by phenylalanine, an amino acid with highly similar properties. This amino acid position is not well conserved in available vertebrate species, and phenylalanine is the reference amino acid in other vertebrate species. In addition, this alteration is predicted to be tolerated by in silico analysis. Since supporting evidence is limited at this time, the clinical significance of this alteration remains unclear.